The following is an entry in ClinVar:

NM_004654.4(USP9Y):c.6461G>A (p.Ser2154Asn)

Gene: USP9Y (ubiquitin specific peptidase 9 Y-linked; plus strand). Cytogenetic location: Yq11.221.
Variant type: single nucleotide variant.
Coding change: c.6461G>A on transcript NM_004654.4 (MANE Select); coding-DNA position 6461, G replaced by A.
Protein change: p.Ser2154Asn; replaces serine 2154 with asparagine.
Molecular consequence: missense variant.
Genome position (GRCh38, 1-based): chrY:12,843,086, G>A. VCF-style: chrY-12843086-G-A. GRCh37 (hg19) VCF-style: chrY-14955011-G-A.
Other names: short protein forms S2154N.
Identifiers: ClinVar variation 5019891 (VCV005019891.2).

ClinVar aggregate classification (germline): Uncertain significance (1 of 4 stars; one submission).

Conditions:
Spermatogenic failure, Y-linked, 2 (SPGFY2). Also called: SPERMATOGENIC FAILURE, NONOBSTRUCTIVE, Y-LINKED; OLIGOSPERMIA, NONOBSTRUCTIVE, Y-LINKED; OLIGOZOOSPERMIA, NONOBSTRUCTIVE, Y-LINKED; SPERMATOGENIC ARREST, Y-LINKED; AZOOSPERMIA, NONOBSTRUCTIVE, Y-LINKED. Identifiers: Orphanet 1646, MedGen C1839071, MONDO:0010767, OMIM 415000. Disease mechanism: loss of function.

Submission:

Juno Genomics, Hangzhou Juno Genomics, Inc
Classification: Uncertain significance for Spermatogenic failure, Y-linked, 2. Review status: criteria provided, single submitter. Criteria: ACMG Guidelines, 2015. Collection method: clinical testing. Allele origin: germline.
Comment: Absent from controls (or at extremely low frequency if recessive) in Genome Aggregation Database.;Patient's phenotype or family history is highly specific for a disease with a single genetic etiology.